The following is an entry in ClinVar:

ClinVar aggregate classification (germline): Likely benign. Review status: criteria provided, multiple submitters, no conflicts (2 of 4 stars). 2 submissions from 2 submitters: Likely benign (2). Last evaluated 2023-07-18.

Conditions:
Autosomal recessive limb-girdle muscular dystrophy type 2K. Also called: MUSCULAR DYSTROPHY, LIMB-GIRDLE, TYPE 2K; MUSCULAR DYSTROPHY-DYSTROGLYCANOPATHY (LIMB-GIRDLE), TYPE C, 1. Identifiers: Orphanet 86812, MedGen C1836373, MONDO:0012248, OMIM 609308.
Walker-Warburg congenital muscular dystrophy. Also called: Muscular dystrophy-dystroglycanopathy, type A; Walker-Warburg syndrome. Identifiers: Orphanet 899, MedGen C0265221, MONDO:0000171.
Muscular dystrophy-dystroglycanopathy (congenital with impaired intellectual development), type B, 1. Also called: Muscular dystrophy-dystroglycanopathy (congenital with intellectual disability), type B1; MUSCULAR DYSTROPHY, CONGENITAL, POMT1-RELATED. Identifiers: MedGen C5436962, MONDO:0013159, OMIM 613155.

Allele frequency attached by ClinVar (database versions not stated): gnomAD exomes below 0.00001; TOPMed 0.00002; gnomAD 0.00001.

Submissions (2):

Labcorp Genetics (formerly Invitae), Labcorp
Classification: Likely benign for Muscular dystrophy-dystroglycanopathy (congenital with impaired intellectual development), type B, 1; Walker-Warburg congenital muscular dystrophy; Autosomal recessive limb-girdle muscular dystrophy type 2K. Last evaluated: 2023-07-18. Review status: criteria provided, single submitter. Criteria: Invitae Variant Classification Sherloc (09022015). Collection method: clinical testing. Allele origin: germline.

GeneDx
Classification: Likely benign. Last evaluated: 2016-06-23. Review status: criteria provided, single submitter. Criteria: GeneDx Variant Classification (06012015). Collection method: clinical testing. Allele origin: germline. Affected: yes.
Comment: This variant is considered likely benign or benign based on one or more of the following criteria: it is a conservative change, it occurs at a poorly conserved position in the protein, it is predicted to be benign by multiple in silico algorithms, and/or has population frequency not consistent with disease.

NM_001077365.2(POMT1):c.919C>T (p.Leu307=)

Gene: POMT1 (protein O-mannosyltransferase 1; plus strand). Cytogenetic location: 9q34.13.
Variant type: single nucleotide variant.
Coding change: c.919C>T on transcript NM_001077365.2 (MANE Select); coding-DNA position 919, C replaced by T.
Protein change: p.Leu307=; no amino-acid change (leucine 307 retained).
Molecular consequence: synonymous variant. On other transcripts: missense variant (1), non-coding transcript variant (10).
Genome position (GRCh38, 1-based): chr9:131,511,400, C>T. VCF-style: chr9-131511400-C-T. GRCh37 (hg19) VCF-style: chr9-134386787-C-T.
Other names: c.757C>T, p.Leu253= (NM_001077366.2, NM_001353194.2, NM_001374693.1); c.919C>T, p.Leu307= (NM_001136113.2, NM_001374690.1); c.568C>T, p.Leu190= (NM_001136114.2, NM_001353195.2, NM_001374691.1 and 1 more transcripts); c.985C>T, p.Leu329= (NM_001353193.2, NM_007171.4); c.829C>T, p.Leu277= (NM_001353196.2); c.823C>T, p.Leu275= (NM_001353197.2, NM_001353198.2); c.634C>T, p.Leu212= (NM_001353199.2); c.463C>T, p.Leu155= (NM_001353200.2); and 2 more; short protein forms S301F.
Identifiers: ClinVar variation 386967 (VCV000386967.4), dbSNP rs983634068, ClinGen allele CA16606308.